The following is an entry in ClinVar:

ClinVar aggregate classification (germline): Uncertain significance (1 of 4 stars; one submission).

Allele frequency attached by ClinVar (database versions not stated): gnomAD 0.00001; 1000 Genomes Project 30x 0.00016.
gnomAD v4.1: 1 of 1,613,836 alleles (0.000062%); highest among the groups gnomAD compares: East Asian, 0.0022%; no homozygotes.

Submission:

Athena Diagnostics
Classification: Uncertain significance. Last evaluated: 2023-07-01. Review status: criteria provided, single submitter. Criteria: Athena Diagnostics Criteria. Collection method: clinical testing. Allele origin: unknown.
Comment: Available data are insufficient to determine the clinical significance of the variant at this time. The frequency of this variant in the general population is uninformative in assessment of its pathogenicity. This variant has been seen where an alternate explanation for disease was also identified, suggesting this variant may not cause disease. Computational tools predict that this variant is damaging. Greater than 90% of NOTCH3 pathogenic variants associated with CADASIL involve the gain or loss of a cysteine residue within the epidermal growth factor (EGF)-like repeat domain (PMID: 32457593, 20301673).

NM_000435.3(NOTCH3):c.1635C>G (p.Asn545Lys)

Gene: NOTCH3 (notch receptor 3; minus strand). Cytogenetic location: 19p13.12.
Variant type: single nucleotide variant.
Coding change: c.1635C>G on transcript NM_000435.3 (MANE Select); coding-DNA position 1635, C replaced by G.
Protein change: p.Asn545Lys; replaces asparagine 545 with lysine.
Molecular consequence: missense variant.
Genome position (GRCh38, 1-based): chr19:15,187,310, G>C on the plus strand (C>G on the coding strand, the complement: NOTCH3 is on the minus strand). VCF-style: chr19-15187310-G-C. GRCh37 (hg19) VCF-style: chr19-15298121-G-C.
Other names: short protein forms N545K.
Identifiers: ClinVar variation 2684132 (VCV002684132.1), dbSNP rs763667541, ClinGen allele CA404526068.